The following is an entry in ClinVar:

ClinVar aggregate classification (germline): Conflicting classifications of pathogenicity. Review status: criteria provided, conflicting classifications (1 of 4 stars). 8 submissions from 8 submitters: Uncertain significance (4); Likely benign (2). 2 of the submissions do not count toward it. Last evaluated 2026-04-01.

Conditions:
NDST1-related disorder. Also called: NDST1-related condition.
Intellectual developmental disorder, autosomal recessive 46. Also called: Intellectual disability, autosomal recessive 46. Identifiers: Orphanet 88616, MedGen C4015283, MONDO:0014499, OMIM 616116.
Inborn genetic diseases. Identifiers: MedGen C0950123, MeSH D030342.
Intellectual disability. Also called: intellectual disabilities; Intellectual functioning disability; Intellectual developmental disorder. Identifiers: MedGen C3714756, MeSH D008607, MONDO:0001071, HP:0001249.

Allele frequency attached by ClinVar (database versions not stated): 1000 Genomes Project 30x 0.00016; TOPMed 0.00148; ESP Exome Variant Server 0.00254; gnomAD 0.00138 and 0.00145; 1000 Genomes Project 0.00020.
gnomAD v4.1: 3,405 of 1,613,898 alleles (0.21%); highest among the groups gnomAD compares: Non-Finnish European, 0.27%; 4 homozygotes.

Submissions (8):

CeGaT Center for Human Genetics Tuebingen
Classification: Likely benign. Last evaluated: 2026-04-01. Review status: criteria provided, single submitter. Criteria: CeGaT Center For Human Genetics Tuebingen Variant Classification Criteria Version 2. Collection method: clinical testing. Allele origin: germline. Affected: yes. Observed: 6 variant alleles.
Comment: NDST1: BS2

Labcorp Genetics (formerly Invitae), Labcorp
Classification: Likely benign. Last evaluated: 2025-12-29. Review status: criteria provided, single submitter. Criteria: Invitae Variant Classification Sherloc (09022015). Collection method: clinical testing. Allele origin: germline.

GeneDx
Classification: Uncertain significance. Last evaluated: 2019-08-14. Review status: criteria provided, single submitter. Criteria: GeneDx Variant Classification Process June 2021. Collection method: clinical testing. Allele origin: germline. Affected: yes.
Comment: In silico analysis, which includes protein predictors and evolutionary conservation, supports a deleterious effect; This variant is associated with the following publications: (PMID: 28211985, 30508070, 29178990, 25125150, 21937992, 14605369, 11457867)

Geisinger Autism and Developmental Medicine Institute, Geisinger Health System
Classification: Uncertain significance for Intellectual developmental disorder, autosomal recessive 46. Last evaluated: 2017-10-11. Review status: criteria provided, single submitter. Criteria: ACMG Guidelines, 2015. Collection method: provider interpretation, clinical testing. Allele origin: maternal. Observed: 1 variant allele.
Comment: This variant is present in population databases at a frequency of 0.09% overall in ExAC and 0.11% in gnomAD. One homozygous individual was reported in gnomAD in an individual of non-Finnish European descent. Computational models predict this variant to be probably damaging to protein structure and/or function. This variant is located in the heparan sulfate N-deacetylase 1 domain of the protein.

Genetic Services Laboratory, University of Chicago
Classification: Uncertain significance. Last evaluated: 2017-04-03. Review status: criteria provided, single submitter. Criteria: ACMG Guidelines, 2015. Collection method: clinical testing. Allele origin: germline. Affected: no.

Ambry Genetics
Classification: Uncertain significance for Inborn genetic diseases. Last evaluated: 2015-05-06. Review status: criteria provided, single submitter. Criteria: Ambry exome assertion method (8-5-2015). Collection method: clinical testing. Allele origin: germline. Affected: yes. Observed: 1 variant allele.

PreventionGenetics, part of Exact Sciences
Classification: Likely benign for NDST1-related condition. Last evaluated: 2022-11-08. Review status: no assertion criteria provided. Collection method: clinical testing. Allele origin: germline. Not counted in ClinVar's aggregate classification.
Comment: This variant is classified as likely benign based on ACMG/AMP sequence variant interpretation guidelines (Richards et al. 2015 PMID: 25741868, with internal and published modifications).

Centre de Biologie Pathologie Génétique, Centre Hospitalier Universitaire de Lille
Classification: Likely benign for Intellectual disability. Last evaluated: 2019-01-01. Review status: no assertion criteria provided. Collection method: clinical testing. Allele origin: inherited. Affected: yes. Not counted in ClinVar's aggregate classification.

NM_001543.5(NDST1):c.239G>A (p.Arg80His)

Gene: NDST1 (N-deacetylase and N-sulfotransferase 1; plus strand). Cytogenetic location: 5q33.1.
Variant type: single nucleotide variant.
Coding change: c.239G>A on transcript NM_001543.5 (MANE Select); coding-DNA position 239, G replaced by A.
Protein change: p.Arg80His; replaces arginine 80 with histidine.
Molecular consequence: missense variant.
Genome position (GRCh38, 1-based): chr5:150,521,493, G>A. VCF-style: chr5-150521493-G-A. GRCh37 (hg19) VCF-style: chr5-149901055-G-A.
Other names: c.239G>A, p.Arg80His (NM_001301063.2); short protein forms R80H.
Identifiers: ClinVar variation 435943 (VCV000435943.45), dbSNP rs145390254, ClinGen allele CA3512363.
Genomic context (GRCh38, chr5:150,521,493, plus strand): 5'-CGCCTGTGGCCCCCAGTCGCCTGCTGCCACTCAAGCCTGTGCAGGCAGCCACCCCTTCCC[G>A]CACAGACCCGTTGGTGCTGGTCTTTGTGGAGAGCCTCTACTCGCAACTGGGCCAGGAGGT-3'
Protein context (NP_001534.1, residues 70-90): LKPVQAATPS[Arg80His]TDPLVLVFVE